The following is an entry in ClinVar:

ClinVar aggregate classification (germline): Uncertain significance (1 of 4 stars; one submission).

Conditions:
Capillary malformation-arteriovenous malformation syndrome. Also called: Capillary malformation-arteriovenous malformation. Identifiers: Orphanet 137667, MedGen C1842180, MONDO:0012016.

Submission:

Labcorp Genetics (formerly Invitae), Labcorp
Classification: Uncertain significance for Capillary malformation-arteriovenous malformation syndrome. Last evaluated: 2022-04-09. Review status: criteria provided, single submitter. Criteria: Invitae Variant Classification Sherloc (09022015). Collection method: clinical testing. Allele origin: germline.
Comment: This sequence change replaces isoleucine, which is neutral and non-polar, with valine, which is neutral and non-polar, at codon 600 of the RASA1 protein (p.Ile600Val). This variant is not present in population databases (gnomAD no frequency). This variant has not been reported in the literature in individuals affected with RASA1-related conditions. Algorithms developed to predict the effect of missense changes on protein structure and function output the following: SIFT: "Tolerated"; PolyPhen-2: "Benign"; Align-GVGD: "Class C0". The valine amino acid residue is found in multiple mammalian species, which suggests that this missense change does not adversely affect protein function. In summary, the available evidence is currently insufficient to determine the role of this variant in disease. Therefore, it has been classified as a Variant of Uncertain Significance.

NM_002890.3(RASA1):c.1798A>G (p.Ile600Val)

Genes: CCNH (cyclin H; minus strand), RASA1 (RAS p21 protein activator 1; plus strand). Cytogenetic location: 5q14.3.
Variant type: single nucleotide variant.
Coding change: c.1798A>G on transcript NM_002890.3 (MANE Select); coding-DNA position 1798, A replaced by G.
Protein change: p.Ile600Val; replaces isoleucine 600 with valine.
Molecular consequence: missense variant. On other transcripts: intron variant (1).
Genome position (GRCh38, 1-based): chr5:87,374,184, A>G. VCF-style: chr5-87374184-A-G. GRCh37 (hg19) VCF-style: chr5-86670001-A-G.
Other names: c.1267A>G, p.Ile423Val (NM_022650.3); c.933+20860T>C (NM_001364075.2); short protein forms I423V, I600V.
Identifiers: ClinVar variation 1913084 (VCV001913084.4), dbSNP rs2531338215, ClinGen allele CA360373684.